The following is an entry in ClinVar:

ClinVar aggregate classification (germline): Uncertain significance (1 of 4 stars; one submission).

Allele frequency attached by ClinVar (database versions not stated): gnomAD exomes below 0.00001; gnomAD 0.00001.
gnomAD v4.1: 4 of 1,613,308 alleles (0.00025%); highest among the groups gnomAD compares: South Asian, 0.0011%; no homozygotes.

Submission:

Labcorp Genetics (formerly Invitae), Labcorp
Classification: Uncertain significance. Last evaluated: 2021-04-27. Review status: criteria provided, single submitter. Criteria: Invitae Variant Classification Sherloc (09022015). Collection method: clinical testing. Allele origin: germline.
Comment: In summary, the available evidence is currently insufficient to determine the role of this variant in disease. Therefore, it has been classified as a Variant of Uncertain Significance. Nucleotide substitutions within the consensus splice site are a relatively common cause of aberrant splicing (PMID: 17576681, 9536098). Algorithms developed to predict the effect of sequence changes on RNA splicing suggest that this variant may disrupt the consensus splice site, but this prediction has not been confirmed by published transcriptional studies. This variant has not been reported in the literature in individuals with SCP2-related conditions. This variant is not present in population databases (ExAC no frequency). This sequence change falls in intron 6 of the SCP2 gene. It does not directly change the encoded amino acid sequence of the SCP2 protein. It affects a nucleotide within the consensus splice site of the intron.

Literature cited by the submitters: PubMed 17576681; PubMed 9536098.

NM_002979.5(SCP2):c.523+3A>G

Gene: SCP2 (sterol carrier protein 2; plus strand). Cytogenetic location: 1p32.3.
Variant type: single nucleotide variant.
Coding change: c.523+3A>G on transcript NM_002979.5 (MANE Select); 3 bases into the intron after coding-DNA position 523, A replaced by G.
Molecular consequence: intron variant.
Genome position (GRCh38, 1-based): chr1:52,961,632, A>G. VCF-style: chr1-52961632-A-G. GRCh37 (hg19) VCF-style: chr1-53427304-A-G.
Other names: c.523+3A>G (NM_001330587.2); c.391+3A>G (NM_001007098.3, NM_001193600.2); c.451+3A>G (NM_001193599.2); c.280+3A>G (NM_001193617.2).
Identifiers: ClinVar variation 1424468 (VCV001424468.6), dbSNP rs1178560410, ClinGen allele CA522897614.